The following is an entry in ClinVar:

ClinVar aggregate classification (germline): Uncertain significance. Review status: criteria provided, multiple submitters, no conflicts (2 of 4 stars). 3 submissions from 3 submitters: Uncertain significance (2). 1 of the submissions does not count toward it. Last evaluated 2024-11-22.

Conditions:
Nemaline myopathy 2 (NEM2). Also called: Nemaline myopathy 2, autosomal recessive. Identifiers: MedGen C1850569, MONDO:0009725, OMIM 256030.

Allele frequency attached by ClinVar (database versions not stated): gnomAD exomes below 0.00001.
gnomAD v4.1: 2 of 1,604,456 alleles (0.00012%); highest among the groups gnomAD compares: Admixed American, 0.0033%; no homozygotes.

Submissions (3):

GeneDx
Classification: Uncertain significance. Last evaluated: 2024-11-22. Review status: criteria provided, single submitter. Criteria: GeneDx Variant Classification Process June 2021. Collection method: clinical testing. Allele origin: germline. Affected: yes.
Comment: Not observed at significant frequency in large population cohorts (gnomAD); In silico analysis supports that this missense variant has a deleterious effect on protein structure/function; Has not been previously published as pathogenic or benign to our knowledge

Labcorp Genetics (formerly Invitae), Labcorp
Classification: Uncertain significance for Nemaline myopathy 2. Last evaluated: 2022-07-05. Review status: criteria provided, single submitter. Criteria: Invitae Variant Classification Sherloc (09022015). Collection method: clinical testing. Allele origin: germline.
Comment: This sequence change replaces tyrosine, which is neutral and polar, with cysteine, which is neutral and slightly polar, at codon 3001 of the NEB protein (p.Tyr3001Cys). This variant is not present in population databases (gnomAD no frequency). This variant has not been reported in the literature in individuals affected with NEB-related conditions. ClinVar contains an entry for this variant (Variation ID: 641213). Algorithms developed to predict the effect of missense changes on protein structure and function are either unavailable or do not agree on the potential impact of this missense change (SIFT: "Deleterious"; PolyPhen-2: "Not Available"; Align-GVGD: "Class C0"). In summary, the available evidence is currently insufficient to determine the role of this variant in disease. Therefore, it has been classified as a Variant of Uncertain Significance.

Natera, Inc.
Classification: Uncertain significance for Nemaline myopathy type 2. Last evaluated: 2020-10-14. Review status: no assertion criteria provided. Collection method: clinical testing. Allele origin: germline. Not counted in ClinVar's aggregate classification.

NM_001164508.2(NEB):c.9002A>G (p.Tyr3001Cys)

Gene: NEB (nebulin; minus strand). Cytogenetic location: 2q23.3.
Variant type: single nucleotide variant.
Coding change: c.9002A>G on transcript NM_001164508.2 (MANE Select); coding-DNA position 9002, A replaced by G.
Protein change: p.Tyr3001Cys; replaces tyrosine 3001 with cysteine.
Molecular consequence: missense variant. On other transcripts: intron variant (1).
Genome position (GRCh38, 1-based): chr2:151,636,327, T>C on the plus strand (A>G on the coding strand, the complement: NEB is on the minus strand). VCF-style: chr2-151636327-T-C. GRCh37 (hg19) VCF-style: chr2-152492841-T-C.
Other names: c.9002A>G, p.Tyr3001Cys (NM_001164507.2, NM_001271208.2); c.8853+3566A>G (NM_004543.5); short protein forms Y3001C.
Identifiers: ClinVar variation 641213 (VCV000641213.13), dbSNP rs1574635522, ClinGen allele CA348805854.
Genomic context (GRCh38, chr2:151,636,327, plus strand): 5'-GGGATGGCGTCGCTTCGCAAGTCATAGCCTTTCTTCTTTGCTTCTTCATTAGCAAGTTTG[T>C]ACAGACTCTAAATTTGGGGGAAAAAAAATCAGATGCTGACATTTATATCTAAAAACTGAC-3'
Protein context (NP_001157980.2, residues 2991-3011): MNKINYSESL[Tyr3001Cys]KLANEEAKKK